The following is an entry in ClinVar:

ClinVar aggregate classification (germline): Uncertain significance (1 of 4 stars; one submission).

Conditions:
Alstrom syndrome (ALMS). Identifiers: Orphanet 64, MedGen C0268425, MONDO:0008763, OMIM 203800.

Allele frequency attached by ClinVar (database versions not stated): gnomAD exomes below 0.00001.
gnomAD v4.1: 1 of 1,612,798 alleles (0.000062%); highest among the groups gnomAD compares: Non-Finnish European, 0.000085%; no homozygotes.

Submission:

Labcorp Genetics (formerly Invitae), Labcorp
Classification: Uncertain significance for Alstrom syndrome. Last evaluated: 2024-10-15. Review status: criteria provided, single submitter. Criteria: Invitae Variant Classification Sherloc (09022015). Collection method: clinical testing. Allele origin: germline.
Comment: This sequence change replaces aspartic acid, which is acidic and polar, with asparagine, which is neutral and polar, at codon 2159 of the ALMS1 protein (p.Asp2159Asn). This variant is not present in population databases (gnomAD no frequency). This variant has not been reported in the literature in individuals affected with ALMS1-related conditions. ClinVar contains an entry for this variant (Variation ID: 1512657). Experimental studies and prediction algorithms are not available or were not evaluated, and the functional significance of this variant is currently unknown. In summary, the available evidence is currently insufficient to determine the role of this variant in disease. Therefore, it has been classified as a Variant of Uncertain Significance.

NM_001378454.1(ALMS1):c.6472G>A (p.Asp2158Asn)

Gene: ALMS1 (ALMS1 centrosome and basal body associated protein; plus strand). Cytogenetic location: 2p13.1.
Variant type: single nucleotide variant.
Coding change: c.6472G>A on transcript NM_001378454.1 (MANE Select); coding-DNA position 6472, G replaced by A.
Protein change: p.Asp2158Asn; replaces aspartic acid 2158 with asparagine.
Molecular consequence: missense variant.
Genome position (GRCh38, 1-based): chr2:73,452,999, G>A. VCF-style: chr2-73452999-G-A. GRCh37 (hg19) VCF-style: chr2-73680126-G-A.
Other names: c.6475G>A, p.Asp2159Asn (NM_015120.4); short protein forms D2159N, D2158N.
Identifiers: ClinVar variation 1512657 (VCV001512657.6), dbSNP rs545636120, ClinGen allele CA347287935.